The following is an entry in ClinVar:

NM_014946.4(SPAST):c.1156A>G (p.Asn386Asp)

Gene: SPAST (spastin; plus strand). Cytogenetic location: 2p22.3.
Variant type: single nucleotide variant.
Coding change: c.1156A>G on transcript NM_014946.4 (MANE Select); coding-DNA position 1156, A replaced by G.
Protein change: p.Asn386Asp; replaces asparagine 386 with aspartic acid.
Molecular consequence: missense variant.
Genome position (GRCh38, 1-based): chr2:32,127,005, A>G. VCF-style: chr2-32127005-A-G. GRCh37 (hg19) VCF-style: chr2-32352074-A-G.
Other names: c.1153A>G, p.Asn385Asp (NM_001363823.2); c.1057A>G, p.Asn353Asp (NM_001363875.2); c.1060A>G, p.Asn354Asp (NM_001377959.1, NM_199436.2); short protein forms N353D, N354D, N385D, N386D.
Identifiers: ClinVar variation 4976693 (VCV004976693.1).

ClinVar aggregate classification (germline): Pathogenic (1 of 4 stars; one submission).

Submission:

GeneDx
Classification: Pathogenic. Last evaluated: 2026-01-23. Review status: criteria provided, single submitter. Criteria: GeneDx Variant Classification Process June 2021. Collection method: clinical testing. Allele origin: germline.
Comment: Reported in a proband from a cohort of patients suspected of having a rare genetic disease; however, additional clinical information was not provided (PMID: Cheon (2022)_ article); Not observed at significant frequency in large population cohorts (gnomAD); In silico analysis supports that this missense variant has a deleterious effect on protein structure/function; This variant is associated with the following publications: (PMID: 21139634, 26094131, Cheon (2022)_ article)